The following is an entry in ClinVar:

ClinVar aggregate classification (germline): Uncertain significance (1 of 4 stars; one submission).

Conditions:
Ataxia-telangiectasia-like disorder (ATLD). Identifiers: MedGen C1858391, MONDO:0011457.

Allele frequency attached by ClinVar (database versions not stated): gnomAD exomes 0.00001; ExAC 0.00002.
gnomAD v4.1: 4 of 1,613,824 alleles (0.00025%); highest among the groups gnomAD compares: South Asian, 0.0044%; no homozygotes.

Submission:

Labcorp Genetics (formerly Invitae), Labcorp
Classification: Uncertain significance for Ataxia-telangiectasia-like disorder. Last evaluated: 2022-01-27. Review status: criteria provided, single submitter. Criteria: Invitae Variant Classification Sherloc (09022015). Collection method: clinical testing. Allele origin: germline.
Comment: This sequence change replaces serine, which is neutral and polar, with isoleucine, which is neutral and non-polar, at codon 145 of the MRE11 protein (p.Ser145Ile). This variant is present in population databases (rs771615477, gnomAD 0.01%). This variant has not been reported in the literature in individuals affected with MRE11-related conditions. ClinVar contains an entry for this variant (Variation ID: 847927). Algorithms developed to predict the effect of missense changes on protein structure and function are either unavailable or do not agree on the potential impact of this missense change (SIFT: "Tolerated"; PolyPhen-2: "Probably Damaging"; Align-GVGD: "Class C15"). In summary, the available evidence is currently insufficient to determine the role of this variant in disease. Therefore, it has been classified as a Variant of Uncertain Significance.

NM_005591.4(MRE11):c.434G>T (p.Ser145Ile)

Gene: MRE11 (MRE11 homolog, double strand break repair nuclease; minus strand). Cytogenetic location: 11q21.
Variant type: single nucleotide variant.
Coding change: c.434G>T on transcript NM_005591.4 (MANE Select); coding-DNA position 434, G replaced by T.
Protein change: p.Ser145Ile; replaces serine 145 with isoleucine.
Molecular consequence: missense variant.
Genome position (GRCh38, 1-based): chr11:94,478,845, C>A on the plus strand (G>T on the coding strand, the complement: MRE11 is on the minus strand). VCF-style: chr11-94478845-C-A. GRCh37 (hg19) VCF-style: chr11-94212011-C-A.
Other names: c.434G>T, p.Ser145Ile (NM_001330347.2, NM_005590.4); short protein forms S145I.
Identifiers: ClinVar variation 847927 (VCV000847927.7), dbSNP rs771615477, ClinGen allele CA6235391.